The following is an entry in ClinVar:

NM_006642.5(SDCCAG8):c.1519T>G (p.Leu507Val)

Gene: SDCCAG8 (SHH signaling and ciliogenesis regulator SDCCAG8; plus strand). Cytogenetic location: 1q43.
Variant type: single nucleotide variant.
Coding change: c.1519T>G on transcript NM_006642.5 (MANE Select); coding-DNA position 1519, T replaced by G.
Protein change: p.Leu507Val; replaces leucine 507 with valine.
Molecular consequence: missense variant.
Genome position (GRCh38, 1-based): chr1:243,378,766, T>G. VCF-style: chr1-243378766-T-G. GRCh37 (hg19) VCF-style: chr1-243542068-T-G.
Other names: c.616T>G, p.Leu206Val (NM_001350246.2, NM_001350247.2, NM_001350251.2); c.1615T>G, p.Leu539Val (NM_001350248.2); c.1225T>G, p.Leu409Val (NM_001350249.2); c.1519T>G (NM_006642.3); short protein forms L206V, L539V, L507V, L409V.
Identifiers: ClinVar variation 1410311 (VCV001410311.5), dbSNP rs1558382581, ClinGen allele CA345477804.

ClinVar aggregate classification (germline): Uncertain significance. Review status: criteria provided, multiple submitters, no conflicts (2 of 4 stars). 2 submissions from 2 submitters: Uncertain significance (2). Last evaluated 2025-02-26.

Conditions:
Senior-Loken syndrome 7 (SLSN7). Identifiers: Orphanet 3156, MedGen C3150877, MONDO:0013326, OMIM 613615.
Bardet-Biedl syndrome 16 (BBS16). Identifiers: Orphanet 110, MedGen C3889474, MONDO:0014444, OMIM 615993.
SDCCAG8-related disorder. Also called: SDCCAG8-Related Disorders; SDCCAG8-related condition.

Allele frequency attached by ClinVar (database versions not stated): gnomAD exomes below 0.00001; TOPMed below 0.00001.
gnomAD v4.1: 1 of 1,614,012 alleles (0.000062%); highest among the groups gnomAD compares: Admixed American, 0.0017%; no homozygotes.

Submissions (2):

PreventionGenetics, part of Exact Sciences
Classification: Uncertain significance for SDCCAG8-related condition. Last evaluated: 2025-02-26. Review status: criteria provided, single submitter. Criteria: ACMG Guidelines, 2015. Collection method: clinical testing. Allele origin: germline.
Comment: The SDCCAG8 c.1519T>G variant is predicted to result in the amino acid substitution p.Leu507Val. To our knowledge, this variant has not been reported in the literature. This variant is reported in 0.0029% of alleles in individuals of Latino descent in gnomAD. At this time, the clinical significance of this variant is uncertain due to the absence of conclusive functional and genetic evidence.

Labcorp Genetics (formerly Invitae), Labcorp
Classification: Uncertain significance for Bardet-Biedl syndrome 16; Senior-Loken syndrome 7. Last evaluated: 2021-11-19. Review status: criteria provided, single submitter. Criteria: Invitae Variant Classification Sherloc (09022015). Collection method: clinical testing. Allele origin: germline.
Comment: This sequence change replaces leucine, which is neutral and non-polar, with valine, which is neutral and non-polar, at codon 507 of the SDCCAG8 protein (p.Leu507Val). In summary, the available evidence is currently insufficient to determine the role of this variant in disease. Therefore, it has been classified as a Variant of Uncertain Significance. Algorithms developed to predict the effect of missense changes on protein structure and function output the following: SIFT: "Tolerated"; PolyPhen-2: "Benign"; Align-GVGD: "Class C0". The valine amino acid residue is found in multiple mammalian species, which suggests that this missense change does not adversely affect protein function. This variant has not been reported in the literature in individuals affected with SDCCAG8-related conditions. This variant is not present in population databases (gnomAD no frequency).